The following is an entry in ClinVar:

ClinVar aggregate classification (germline): Pathogenic (1 of 4 stars; one submission).

Conditions:
Hereditary cancer-predisposing syndrome. Also called: Neoplastic Syndromes, Hereditary; Tumor predisposition; Hereditary Cancer Syndrome; Hereditary neoplastic syndrome. Identifiers: Orphanet 140162, MedGen C0027672, MeSH D009386, MONDO:0015356.

Submission:

Ambry Genetics
Classification: Pathogenic for Hereditary cancer-predisposing syndrome. Last evaluated: 2025-12-17. Review status: criteria provided, single submitter. Criteria: Ambry Variant Classification Scheme 2023. Collection method: clinical testing. Allele origin: germline.
Comment: The c.1567_1583del17 pathogenic mutation, located in coding exon 11 of the FLCN gene, results from a deletion of 17 nucleotides at nucleotide positions 1567 to 1583, causing a translational frameshift with a predicted alternate stop codon (p.K523Qfs*73). This alteration occurs at the 3' terminus of the gene, is not expected to trigger nonsense-mediated mRNA decay, and impacts the last 57 amino acids (9.8%) of the protein and elongates the FLCN protein by 16 amino acids. However, frameshifts are typically deleterious in nature, and there are multiple similar alterations classified as pathogenic including FLCN c.1597_1598delCA (p.Q533Efs*68) and FLCN c.1579_1580insA (p.R527Qfs*75) (Ambry Internal Data; Furuya M et al. Am J Surg Pathol. 2012 Apr;36:589-600; Yang CY et al. J Postgrad Med;59:321-3; Liu L et al. Biomed Res Int, 2017 Jul;2017:8751384; Hou X et al. BMC Med Genet. 2018 01;19:14). This variant was reported in individual(s) with features consistent with Birt-Hogg-Dube syndrome (Ambry internal data). This variant is considered to be rare based on population cohorts in the Genome Aggregation Database (gnomAD). Based on the supporting evidence, this variant is interpreted as a disease-causing mutation.

NM_144997.7(FLCN):c.1567_1583del (p.Lys523fs)

Gene: FLCN (folliculin; minus strand). Cytogenetic location: 17p11.2.
Variant type: Deletion.
Coding change: c.1567_1583del on transcript NM_144997.7 (MANE Select); coding-DNA positions 1567 to 1583, 17 bases deleted (AAGGTGGACAGTCGACC).
Protein change: p.Lys523fs; shifts the reading frame from lysine 523.
Molecular consequence: frameshift variant.
Genome position (GRCh38, 1-based): chr17:17,213,812-17,213,828, GGTCGACTGTCCACCTT deleted on the plus strand (AAGGTGGACAGTCGACC on the coding strand, the reverse complement: FLCN is on the minus strand); deleting any 17 consecutive bases within chr17:17,213,812-17,213,831 gives the same sequence; the c. name uses the placement nearest the transcript's 3' end. VCF-style (leftmost placement, unchanged base first): chr17-17213811-GGGTCGACTGTCCACCTT-G. GRCh37 (hg19) VCF-style: chr17-17117125-GGGTCGACTGTCCACCTT-G.
Other names: c.1621_1637del, p.Lys541fs (NM_001353229.2); c.1567_1583del, p.Lys523fs (NM_001353230.2, NM_001353231.2); c.1567_1583del17 (NM_144997.5); short protein forms K541fs, K523fs.
Identifiers: ClinVar variation 4843149 (VCV004843149.1).